The following is an entry in ClinVar:

NM_001916.5(CYC1):c.462T>G (p.Val154=)

Gene: CYC1 (cytochrome c1; plus strand). Cytogenetic location: 8q24.3.
Variant type: single nucleotide variant.
Coding change: c.462T>G on transcript NM_001916.5 (MANE Select); coding-DNA position 462, T replaced by G.
Protein change: p.Val154=; no amino-acid change (valine 154 retained).
Molecular consequence: synonymous variant.
Genome position (GRCh38, 1-based): chr8:144,096,345, T>G. VCF-style: chr8-144096345-T-G. GRCh37 (hg19) VCF-style: chr8-145151248-T-G.
Identifiers: ClinVar variation 5040532 (VCV005040532.1).

ClinVar aggregate classification (germline): Likely benign (1 of 4 stars; one submission).

gnomAD v4.1: 3 of 1,611,958 alleles (0.00019%); highest among the groups gnomAD compares: Admixed American, 0.005%; no homozygotes.

Submission:

CeGaT Center for Human Genetics Tuebingen
Classification: Likely benign. Last evaluated: 2026-08-01. Review status: criteria provided, single submitter. Criteria: CeGaT Center For Human Genetics Tuebingen Variant Classification Criteria Version 2. Collection method: clinical testing. Allele origin: germline. Affected: yes. Observed: 1 variant allele.
Comment: CYC1: BP4, BP7